The following is an entry in ClinVar:

NM_198578.4(LRRK2):c.2108C>T (p.Ala703Val)

Gene: LRRK2 (leucine rich repeat kinase 2; plus strand). Cytogenetic location: 12q12.
Variant type: single nucleotide variant.
Coding change: c.2108C>T on transcript NM_198578.4 (MANE Select); coding-DNA position 2108, C replaced by T.
Protein change: p.Ala703Val; replaces alanine 703 with valine.
Molecular consequence: missense variant.
Genome position (GRCh38, 1-based): chr12:40,278,128, C>T. VCF-style: chr12-40278128-C-T. GRCh37 (hg19) VCF-style: chr12-40671930-C-T.
Other names: short protein forms A703V.
Identifiers: ClinVar variation 1786010 (VCV001786010.2), dbSNP rs1943538096, ClinGen allele CA384405047.
Genomic context (GRCh38, chr12:40,278,128, plus strand): 5'-ATTCTCATTTCCACTCTTTTTAGTTTCTAAACCTCTGTTGCAAGTGTTTTGCAAAAGTAG[C>T]TATGGATGATTACTTAAAAAATGTGATGCTAGAGAGAGCGTGTGATCAGAATAACAGCAT-3'
Protein context (NP_940980.4, residues 693-713): NLCCKCFAKV[Ala703Val]MDDYLKNVML

ClinVar aggregate classification (germline): Uncertain significance (1 of 4 stars; one submission).

Conditions:
Inborn genetic diseases. Identifiers: MedGen C0950123, MeSH D030342.

Submission:

Ambry Genetics
Classification: Uncertain significance for Inborn genetic diseases. Last evaluated: 2021-12-25. Review status: criteria provided, single submitter. Criteria: Ambry Variant Classification Scheme 2023. Collection method: clinical testing. Allele origin: germline.
Comment: The p.A703V variant (also known as c.2108C>T), located in coding exon 18 of the LRRK2 gene, results from a C to T substitution at nucleotide position 2108. The alanine at codon 703 is replaced by valine, an amino acid with similar properties. This amino acid position is conserved. In addition, this alteration is predicted to be tolerated by in silico analysis. Since supporting evidence is limited at this time, the clinical significance of this alteration remains unclear.